The following is an entry in ClinVar:

ClinVar aggregate classification (germline): Uncertain significance. Review status: criteria provided, multiple submitters, no conflicts (2 of 4 stars). 5 submissions from 5 submitters: Uncertain significance (5). Last evaluated 2025-11-05.

Conditions:
Inborn genetic diseases. Identifiers: MedGen C0950123, MeSH D030342.

Allele frequency attached by ClinVar (database versions not stated): gnomAD exomes 0.00002 and 0.00007; gnomAD 0.00004; TOPMed 0.00005; ExAC 0.00006.
gnomAD v4.1: 32 of 1,613,956 alleles (0.002%); highest among the groups gnomAD compares: Admixed American, 0.028%; no homozygotes.

Submissions (6):

Labcorp Genetics (formerly Invitae), Labcorp
Classification: Uncertain significance. Last evaluated: 2025-11-05. Review status: criteria provided, single submitter. Criteria: Invitae Variant Classification Sherloc (09022015). Collection method: clinical testing. Allele origin: germline.
Comment: This sequence change replaces glycine, which is neutral and non-polar, with serine, which is neutral and polar, at codon 240 of the ACO2 protein (p.Gly240Ser). This variant is present in population databases (rs764138297, gnomAD 0.03%). This missense change has been observed in individual(s) with optic atrophy (PMID: 34056600). ClinVar contains an entry for this variant (Variation ID: 235453). Invitae Evidence Modeling of protein sequence and biophysical properties (such as structural, functional, and spatial information, amino acid conservation, physicochemical variation, residue mobility, and thermodynamic stability) indicates that this missense variant is not expected to disrupt ACO2 protein function with a negative predictive value of 80%. In summary, the available evidence is currently insufficient to determine the role of this variant in disease. Therefore, it has been classified as a Variant of Uncertain Significance.

Blueprint Genetics
Classification: Uncertain significance. Last evaluated: 2023-09-21. Review status: criteria provided, single submitter. Criteria: ACMG Guidelines, 2015. Collection method: clinical testing. Allele origin: germline.

GeneDx
Classification: Uncertain significance. Last evaluated: 2021-12-14. Review status: criteria provided, single submitter. Criteria: GeneDx Variant Classification Process June 2021. Collection method: clinical testing. Allele origin: germline. Affected: yes.
Comment: In silico analysis supports that this missense variant has a deleterious effect on protein structure/function; This variant is associated with the following publications: (PMID: 34056600)

Ambry Genetics
Classification: Uncertain significance for Inborn genetic diseases. Last evaluated: 2021-07-15. Review status: criteria provided, single submitter. Criteria: Ambry Variant Classification Scheme 2023. Collection method: clinical testing. Allele origin: germline.

Center for Pediatric Genomic Medicine, Children's Mercy Hospital and Clinics
Classification: Uncertain significance. Last evaluated: 2016-02-02. Review status: criteria provided, single submitter. Criteria: ACMG Guidelines, 2015. Collection method: clinical testing. Allele origin: germline.
ClinVar note: Converted during submission from Uncertain Significance to Uncertain significance.

Dr. Peter K. Rogan Lab, Western University
No classification provided (evidence only). Condition: Clear cell carcinoma of kidney. Review status: no classification provided. Collection method: in vitro. Allele origin: not applicable. Functional consequence: retained intron. Not counted in ClinVar's aggregate classification.

Literature cited by the submitters: PubMed 34056600 (cited by Labcorp Genetics (formerly Invitae), Labcorp).

NM_001098.3(ACO2):c.718G>A (p.Gly240Ser)

Gene: ACO2 (aconitase 2; plus strand). Cytogenetic location: 22q13.2.
Variant type: single nucleotide variant.
Coding change: c.718G>A on transcript NM_001098.3 (MANE Select); coding-DNA position 718, G replaced by A.
Protein change: p.Gly240Ser; replaces glycine 240 with serine.
Molecular consequence: missense variant.
Genome position (GRCh38, 1-based): chr22:41,515,800, G>A. VCF-style: chr22-41515800-G-A. GRCh37 (hg19) VCF-style: chr22-41911804-G-A.
Other names: c.718G>A (NM_001098.2); short protein forms G240S.
Identifiers: ClinVar variation 235453 (VCV000235453.13), dbSNP rs764138297, ClinGen allele CA10257436.
Genomic context (GRCh38, chr22:41,515,800, plus strand): 5'-ACAGCCGCCTCGCCCCCTCCTGTCCAGGTGATTGGCGTGAAGCTGACGGGCTCTCTCTCC[G>A]GTTGGTCCTCACCCAAAGATGTGATCCTGAAGGTGGCAGGCATCCTCACGGTGAAAGGTG-3'
Protein context (NP_001089.1, residues 230-250): IGVKLTGSLS[Gly240Ser]WSSPKDVILK